The following is an entry in ClinVar:

NM_201384.3(PLEC):c.5868G>C (p.Glu1956Asp)

Gene: PLEC (plectin; minus strand). Cytogenetic location: 8q24.3.
Variant type: single nucleotide variant.
Coding change: c.5868G>C on transcript NM_201384.3 (MANE Select); coding-DNA position 5868, G replaced by C.
Protein change: p.Glu1956Asp; replaces glutamic acid 1956 with aspartic acid.
Molecular consequence: missense variant. On other transcripts: intron variant (1).
Genome position (GRCh38, 1-based): chr8:143,924,061, C>G on the plus strand (G>C on the coding strand, the complement: PLEC is on the minus strand). VCF-style: chr8-143924061-C-G. GRCh37 (hg19) VCF-style: chr8-144998229-C-G.
Other names: c.5949G>C, p.Glu1983Asp (NM_000445.5); c.5826G>C, p.Glu1942Asp (NM_201378.4); c.5802G>C, p.Glu1934Asp (NM_201379.3); c.6279G>C, p.Glu2093Asp (NM_201380.4); c.5772G>C, p.Glu1924Asp (NM_201381.3); c.5868G>C, p.Glu1956Asp (NM_201382.4); c.5880G>C, p.Glu1960Asp (NM_201383.3); c.4126-1666G>C (NM_001410941.1); and 1 more; short protein forms E1924D, E1934D, E1942D, E1956D, E1960D, E1983D, E2093D.
Identifiers: ClinVar variation 3257122 (VCV003257122.17).

ClinVar aggregate classification (germline): Uncertain significance. Review status: criteria provided, multiple submitters, no conflicts (2 of 4 stars). 2 submissions from 2 submitters: Uncertain significance (2). Last evaluated 2025-10-24.

Conditions:
Inborn genetic diseases. Identifiers: MedGen C0950123, MeSH D030342.

Submissions (2):

Ambry Genetics
Classification: Uncertain significance for Inborn genetic diseases. Last evaluated: 2025-10-24. Review status: criteria provided, single submitter. Criteria: Ambry Variant Classification Scheme 2023. Collection method: clinical testing. Allele origin: germline.

CeGaT Center for Human Genetics Tuebingen
Classification: Uncertain significance. Last evaluated: 2024-07-01. Review status: criteria provided, single submitter. Criteria: CeGaT Center For Human Genetics Tuebingen Variant Classification Criteria Version 2. Collection method: clinical testing. Allele origin: germline. Affected: yes. Observed: 1 variant allele.
Comment: PLEC: PM2